The following is an entry in ClinVar:

NM_000179.3(MSH6):c.2008G>A (p.Gly670Arg)

Gene: MSH6 (mutS homolog 6; plus strand). Cytogenetic location: 2p16.3.
Variant type: single nucleotide variant.
Coding change: c.2008G>A on transcript NM_000179.3 (MANE Select); coding-DNA position 2008, G replaced by A.
Protein change: p.Gly670Arg; replaces glycine 670 with arginine.
Molecular consequence: missense variant.
Genome position (GRCh38, 1-based): chr2:47,799,991, G>A. VCF-style: chr2-47799991-G-A. GRCh37 (hg19) VCF-style: chr2-48027130-G-A.
Other names: c.1618G>A, p.Gly540Arg (NM_001281492.2); c.1102G>A, p.Gly368Arg (NM_001281493.2, NM_001281494.2); short protein forms G670R, G540R, G368R.
Identifiers: ClinVar variation 1784361 (VCV001784361.3), dbSNP rs63749857, ClinGen allele CA009551.
Genomic context (GRCh38, chr2:47,799,991, plus strand): 5'-GGCATTGGGGTGATGTTACCCCAGGTGCTTAAAGGTATGACTTCAGAGTCTGATTCCATT[G>A]GGTTGACACCAGGAGAGAAAAGTGAATTGGCCCTCTCTGCTCTAGGTGGTTGTGTCTTCT-3'
Protein context (NP_000170.1, residues 660-680): KGMTSESDSI[Gly670Arg]LTPGEKSELA

ClinVar aggregate classification (germline): Uncertain significance. Review status: criteria provided, multiple submitters, no conflicts (2 of 4 stars). 2 submissions from 2 submitters: Uncertain significance (2). Last evaluated 2025-12-29.

Conditions:
Hereditary cancer-predisposing syndrome. Also called: Neoplastic Syndromes, Hereditary; Tumor predisposition; Hereditary Cancer Syndrome; Hereditary neoplastic syndrome. Identifiers: Orphanet 140162, MedGen C0027672, MeSH D009386, MONDO:0015356.

Submissions (2):

Center for Genomic Medicine, Rigshospitalet, Copenhagen University Hospital
Classification: Uncertain significance. Last evaluated: 2025-12-29. Review status: criteria provided, single submitter. Criteria: ACMG Guidelines, 2015. Collection method: clinical testing. Allele origin: germline.
Comment: Classification criteria: PP3_moderate, PM2_supporting

Ambry Genetics
Classification: Uncertain significance for Hereditary cancer-predisposing syndrome. Last evaluated: 2020-08-04. Review status: criteria provided, single submitter. Criteria: Ambry Variant Classification Scheme 2023. Collection method: clinical testing. Allele origin: germline.
Comment: The p.G670R variant (also known as c.2008G>A), located in coding exon 4 of the MSH6 gene, results from a G to A substitution at nucleotide position 2008. The glycine at codon 670 is replaced by arginine, an amino acid with dissimilar properties. This amino acid position is well conserved in available vertebrate species. In addition, this alteration is predicted to be deleterious by in silico analysis. Since supporting evidence is limited at this time, the clinical significance of this alteration remains unclear.

Literature cited by the submitters: PubMed 28531214 (cited by Center for Genomic Medicine, Rigshospitalet, Copenhagen University Hospital and Ambry Genetics); PubMed 12547705 (cited by Ambry Genetics).